The following is an entry in ClinVar:

NM_000372.5(TYR):c.820-1_820delinsTG

Gene: TYR (tyrosinase; plus strand). Cytogenetic location: 11q14.3.
Variant type: Indel.
Coding change: c.820-1_820delinsTG on transcript NM_000372.5 (MANE Select); the canonical splice acceptor site of the intron before coding-DNA position 820 through coding-DNA position 820, GA replaced by TG.
Molecular consequence: splice acceptor variant.
Genome position (GRCh38, 1-based): chr11:89,191,201-89,191,202, GA replaced by TG. VCF-style: chr11-89191201-GA-TG. GRCh37 (hg19) VCF-style: chr11-88924369-GA-TG.
Identifiers: ClinVar variation 2735729 (VCV002735729.3), dbSNP rs2496552243, ClinGen allele CA2695215146.

ClinVar aggregate classification (germline): Pathogenic (1 of 4 stars; one submission).

Submission:

Labcorp Genetics (formerly Invitae), Labcorp
Classification: Pathogenic. Last evaluated: 2024-03-13. Review status: criteria provided, single submitter. Criteria: Invitae Variant Classification Sherloc (09022015). Collection method: clinical testing. Allele origin: germline.
Comment: This variant results in the deletion of part of exon 2 (c.820-1_820delinsTG) of the TYR gene. It is expected to disrupt RNA splicing. Variants that disrupt the donor or acceptor splice site typically lead to a loss of protein function (PMID: 16199547), and loss-of-function variants in TYR are known to be pathogenic (PMID: 23504663). Information on the frequency of this variant in the gnomAD database is not available, as this variant may be reported differently in the database. This variant has been observed in individual(s) with oculocutaneous albinism (PMID: 18821858, 29345414). In at least one individual the data is consistent with being in trans (on the opposite chromosome) from a pathogenic variant. This variant is also known as c.820-1_820GA>TG. For these reasons, this variant has been classified as Pathogenic.

Literature cited by the submitters: PubMed 16199547; PubMed 23504663; PubMed 18821858; PubMed 29345414.